The following is an entry in ClinVar:

ClinVar aggregate classification (germline): Pathogenic. Review status: criteria provided, multiple submitters, no conflicts (2 of 4 stars). 3 submissions from 3 submitters: Pathogenic (2). 1 of the submissions does not count toward it. Last evaluated 2022-08-17.

Conditions:
Tuberous sclerosis 2 (TSC2). Identifiers: Orphanet 805, MedGen C1860707, MONDO:0013199, OMIM 613254.
Tuberous sclerosis syndrome (TSC). Also called: Tuberous Sclerosis Complex; Tuberous sclerosis. Identifiers: Orphanet 805, MedGen C0041341, MONDO:0001734.

Submissions (3):

MGZ Medical Genetics Center
Classification: Pathogenic for Tuberous sclerosis 2. Last evaluated: 2022-08-17. Review status: criteria provided, single submitter. Criteria: ACMG Guidelines, 2015. Collection method: clinical testing. Allele origin: germline. Affected: yes. Observed: 1 variant allele.
Comment: ACMG criteria applied: PVS1, PS4_SUP, PM2_SUP

GeneDx
Classification: Pathogenic. Last evaluated: 2020-12-30. Review status: criteria provided, single submitter. Criteria: GeneDx Variant Classification Process June 2021. Collection method: clinical testing. Allele origin: germline. Affected: yes.
Comment: Canonical splice site variant in a gene for which loss-of-function is a known mechanism of disease; Not observed in large population cohorts (Lek et al., 2016); A different nucleotide change at this same canonical splice site (c.2743-1G>A) has been reported as pathogenic in ClinVar and the published literature in association with TSC (VCV000049560.1; Landrum et al., 2016; Au et al., 2007); This variant is associated with the following publications: (PMID: 12111193, 25525159)

Tuberous sclerosis database (TSC2)
No classification provided. Condition: TSC. Review status: no classification provided. Criteria: Tuberous Sclerosis Database Assertion Criteria 2015. Collection method: curation. Allele origin: germline. Affected: yes. Not counted in ClinVar's aggregate classification.

NM_000548.5(TSC2):c.2743-1G>C

Gene: TSC2 (TSC complex subunit 2; plus strand). Cytogenetic location: 16p13.3.
Variant type: single nucleotide variant.
Coding change: c.2743-1G>C on transcript NM_000548.5 (MANE Select); the canonical splice acceptor site of the intron before coding-DNA position 2743, G replaced by C.
Molecular consequence: splice acceptor variant.
Genome position (GRCh38, 1-based): chr16:2,076,490, G>C. VCF-style: chr16-2076490-G-C. GRCh37 (hg19) VCF-style: chr16-2126491-G-C.
Other names: c.2632-1G>C (NM_001406678.1, NM_001406670.1, NM_001318827.2); c.2143-1G>C (NM_001406682.1, NM_001406684.1, NM_001406685.1 and 6 more transcripts); c.2686-1G>C (NM_001406677.1); c.2596-1G>C (NM_001406675.1, NM_001406676.1, NM_001318829.2 and 1 more transcripts); c.1399-1G>C (NM_001406693.1, NM_001406689.1, NM_001406690.1 and 6 more transcripts); c.2776-1G>C (NM_001318832.2); c.2833-1G>C (NM_001406667.1, NM_001406668.1); c.1141-1G>C (NM_001406698.1); and 3 more.
Identifiers: ClinVar variation 49561 (VCV000049561.6), dbSNP rs45517263, ClinGen allele CA018028.